The following is an entry in ClinVar:

NM_015214.3(DDHD2):c.475G>A (p.Glu159Lys)

Gene: DDHD2 (DDHD domain containing 2; plus strand). Cytogenetic location: 8p11.23.
Variant type: single nucleotide variant.
Coding change: c.475G>A on transcript NM_015214.3 (MANE Select); coding-DNA position 475, G replaced by A.
Protein change: p.Glu159Lys; replaces glutamic acid 159 with lysine.
Molecular consequence: missense variant. On other transcripts: non-coding transcript variant (2).
Genome position (GRCh38, 1-based): chr8:38,237,601, G>A. VCF-style: chr8-38237601-G-A. GRCh37 (hg19) VCF-style: chr8-38095119-G-A.
Other names: c.475G>A, p.Glu159Lys (NM_001164232.2, NM_001164234.2, NM_001362911.2 and 3 more transcripts); short protein forms E159K.
Identifiers: ClinVar variation 3703764 (VCV003703764.2).

ClinVar aggregate classification (germline): Uncertain significance (1 of 4 stars; one submission).

Conditions:
Hereditary spastic paraplegia 54. Also called: Spastic paraplegia 54, autosomal recessive. Identifiers: Orphanet 320380, MedGen C3539495, MONDO:0014018, OMIM 615033.

gnomAD v4.1: 7 of 1,586,028 alleles (0.00044%); highest among the groups gnomAD compares: Non-Finnish European, 0.00034%; no homozygotes.

Submission:

Labcorp Genetics (formerly Invitae), Labcorp
Classification: Uncertain significance for Hereditary spastic paraplegia 54. Last evaluated: 2025-01-29. Review status: criteria provided, single submitter. Criteria: Invitae Variant Classification Sherloc (09022015). Collection method: clinical testing. Allele origin: germline.
Comment: This sequence change replaces glutamic acid, which is acidic and polar, with lysine, which is basic and polar, at codon 159 of the DDHD2 protein (p.Glu159Lys). This variant is present in population databases (no rsID available, gnomAD 0.0009%). This variant has not been reported in the literature in individuals affected with DDHD2-related conditions. Invitae Evidence Modeling of protein sequence and biophysical properties (such as structural, functional, and spatial information, amino acid conservation, physicochemical variation, residue mobility, and thermodynamic stability) indicates that this missense variant is not expected to disrupt DDHD2 protein function with a negative predictive value of 80%. In summary, the available evidence is currently insufficient to determine the role of this variant in disease. Therefore, it has been classified as a Variant of Uncertain Significance.